The following is an entry in ClinVar:

ClinVar aggregate classification (germline): Uncertain significance (1 of 4 stars; one submission).

Conditions:
BAP1-related tumor predisposition syndrome (TPDS1). Also called: BAP1 tumor predisposition syndrome; COMMON Syndrome; TUMOR PREDISPOSITION SYNDROME 1; Tumor susceptibility linked to germline BAP1 mutations. Identifiers: Orphanet 289539, MedGen C3280492, MONDO:0013692, OMIM 614327.

Allele frequency attached by ClinVar (database versions not stated): gnomAD exomes below 0.00001.
gnomAD v4.1: 1 of 1,566,016 alleles (0.000064%); highest among the groups gnomAD compares: Non-Finnish European, 0.000087%; no homozygotes.

Submission:

Labcorp Genetics (formerly Invitae), Labcorp
Classification: Uncertain significance for BAP1-related tumor predisposition syndrome. Last evaluated: 2025-01-08. Review status: criteria provided, single submitter. Criteria: Invitae Variant Classification Sherloc (09022015). Collection method: clinical testing. Allele origin: germline.
Comment: This sequence change replaces valine, which is neutral and non-polar, with isoleucine, which is neutral and non-polar, at codon 209 of the BAP1 protein (p.Val209Ile). This variant is not present in population databases (gnomAD no frequency). This variant has not been reported in the literature in individuals affected with BAP1-related conditions. ClinVar contains an entry for this variant (Variation ID: 1497447). Invitae Evidence Modeling of protein sequence and biophysical properties (such as structural, functional, and spatial information, amino acid conservation, physicochemical variation, residue mobility, and thermodynamic stability) indicates that this missense variant is not expected to disrupt BAP1 protein function with a negative predictive value of 80%. In summary, the available evidence is currently insufficient to determine the role of this variant in disease. Therefore, it has been classified as a Variant of Uncertain Significance.

NM_004656.4(BAP1):c.625G>A (p.Val209Ile)

Gene: BAP1 (BRCA1 associated deubiquitinase 1; minus strand). Cytogenetic location: 3p21.1.
Variant type: single nucleotide variant.
Coding change: c.625G>A on transcript NM_004656.4 (MANE Select); coding-DNA position 625, G replaced by A.
Protein change: p.Val209Ile; replaces valine 209 with isoleucine.
Molecular consequence: missense variant.
Genome position (GRCh38, 1-based): chr3:52,406,863, C>T on the plus strand (G>A on the coding strand, the complement: BAP1 is on the minus strand). VCF-style: chr3-52406863-C-T. GRCh37 (hg19) VCF-style: chr3-52440879-C-T.
Other names: short protein forms V209I.
Identifiers: ClinVar variation 1497447 (VCV001497447.8), dbSNP rs1295632035, ClinGen allele CA353108949.
Genomic context (GRCh38, chr3:52,406,863, plus strand): 5'-GAACAGGGCAGGCACAGGGCCCTTACCCTGCAGTGGCGAGGCCGATACGCTCCATGATGA[C>T]CCGCCGGGCCTTGTCTGTCCACTCCTCGTCCTCCCCCCAGGGCCCTAGTGGAGACCAAGA-3'
Protein context (NP_004647.1, residues 199-219): DEEWTDKARR[Val209Ile]IMERIGLATA